The following is an entry in ClinVar:

ClinVar aggregate classification (germline): Conflicting classifications of pathogenicity. Review status: criteria provided, conflicting classifications (1 of 4 stars). 13 submissions from 13 submitters: Uncertain significance (9); Benign (1); Likely benign (2). 1 of the submissions does not count toward it. Last evaluated 2026-01-05.

Conditions:
MSH6-related disorder. Also called: MSH6-related condition; MSH6-Related disorders.
Hereditary nonpolyposis colorectal neoplasms. Identifiers: MedGen C0009405, MeSH D003123.
Hereditary cancer-predisposing syndrome. Also called: Neoplastic Syndromes, Hereditary; Tumor predisposition; Hereditary neoplastic syndrome; Hereditary Cancer Syndrome. Identifiers: Orphanet 140162, MedGen C0027672, MeSH D009386, MONDO:0015356.
Lynch syndrome. Identifiers: Orphanet 144, MedGen C4552100, MONDO:0005835. Disease mechanism: loss of function.
Endometrial carcinoma. Also called: Endometrial carcinoma, somatic. Identifiers: MedGen C0476089, MONDO:0002447, OMIM 608089, HP:0012114.
Lynch syndrome 5 (LYNCH5). Also called: Colorectal cancer, hereditary nonpolyposis, type 5; Hereditary non-polyposis colorectal cancer, type 5. Identifiers: Orphanet 144, MedGen C1833477, MONDO:0013710, OMIM 614350. Disease mechanism: loss of function.

Allele frequency attached by ClinVar (database versions not stated): ExAC 0.00001; gnomAD exomes 0.00001; TOPMed 0.00001; gnomAD 0.00002.
gnomAD v4.1: 8 of 1,614,064 alleles (0.0005%); highest among the groups gnomAD compares: African/African-American, 0.004%; no homozygotes.

Submissions (13):

Labcorp Genetics (formerly Invitae), Labcorp
Classification: Benign for Hereditary nonpolyposis colorectal neoplasms. Last evaluated: 2026-01-05. Review status: criteria provided, single submitter. Criteria: Invitae Variant Classification Sherloc (09022015). Collection method: clinical testing. Allele origin: germline.

Women's Health and Genetics/Laboratory Corporation of America, LabCorp
Classification: Likely benign. Last evaluated: 2025-11-19. Review status: criteria provided, single submitter. Criteria: LabCorp Variant Classification Summary - May 2015. Collection method: clinical testing. Allele origin: germline.
Comment: Variant summary: MSH6 c.2664G>C (p.Lys888Asn) results in a non-conservative amino acid change located in the DNA mismatch repair ATPase MutS domain of the encoded protein sequence. Algorithms developed to predict the effect of missense changes on protein structure and function are either unavailable or do not agree on the potential impact of this missense change. The variant allele was found at a frequency of 8e-06 in 250488 control chromosomes. The available data on variant occurrences in the general population are insufficient to allow any conclusion about variant significance. To our knowledge, no occurrence of c.2664G>C in individuals affected with MSH6-related conditions and no experimental evidence demonstrating its impact on protein function have been reported. ClinVar contains an entry for this variant (Variation ID: 182637). Based on the evidence outlined above, the variant was classified as likely benign.

Ambry Genetics
Classification: Uncertain significance for Hereditary cancer-predisposing syndrome. Last evaluated: 2025-06-06. Review status: criteria provided, single submitter. Criteria: Ambry Variant Classification Scheme 2023. Collection method: clinical testing. Allele origin: germline.
Comment: The p.K888N variant (also known as c.2664G>C), located in coding exon 4 of the MSH6 gene, results from a G to C substitution at nucleotide position 2664. The lysine at codon 888 is replaced by asparagine, an amino acid with similar properties. This amino acid position is not well conserved in available vertebrate species. In addition, this alteration is predicted to be tolerated by in silico analysis. Based on the available evidence, the clinical significance of this variant remains unclear.

PreventionGenetics, part of Exact Sciences
Classification: Uncertain significance for MSH6-related condition. Last evaluated: 2025-02-27. Review status: criteria provided, single submitter. Criteria: ACMG Guidelines, 2015. Collection method: clinical testing. Allele origin: germline.
Comment: The MSH6 c.2664G>C variant is predicted to result in the amino acid substitution p.Lys888Asn. This variant has been reported in an individual with breast and/or ovarian cancer (Maxwell et al. 2016. PubMed ID: 27153395, Tables S4 and S5, Sample CGRBI0158). This variant is reported in 0.0062% of alleles in individuals of African descent in gnomAD and is interpreted as uncertain significance in ClinVar (?). At this time, the clinical significance of this variant is uncertain due to the absence of conclusive functional and genetic evidence.

Myriad Genetics, Inc.
Classification: Likely benign for Lynch syndrome 5. Last evaluated: 2024-12-31. Review status: criteria provided, single submitter. Criteria: Myriad Autosomal Dominant, Autosomal Recessive and X-Linked Classification Criteria (2023). Collection method: clinical testing. Allele origin: unknown.
Comment: This variant is considered likely benign. This variant is strongly associated with less severe personal and family histories of cancer, typical for individuals without pathogenic variants in this gene [PMID: 27363726].

All of Us Research Program, National Institutes of Health
Classification: Uncertain significance for Lynch syndrome. Last evaluated: 2024-05-30. Review status: criteria provided, single submitter. Criteria: ACMG Guidelines, 2015. Collection method: clinical testing. Allele origin: germline. Inheritance: Autosomal dominant inheritance. Observed: 3 variant alleles, 3 heterozygotes.
Comment: This missense variant replaces lysine with asparagine at codon 888 of the MSH6 protein. Computational prediction suggests that this variant may not impact protein structure and function (internally defined REVEL score threshold <= 0.5, PMID: 27666373). To our knowledge, functional studies have not been reported for this variant. This variant has not been reported in individuals affected with MSH6-related disorders in the literature. This variant has been identified in 2/250488 chromosomes in the general population by the Genome Aggregation Database (gnomAD). The available evidence is insufficient to determine the role of this variant in disease conclusively. Therefore, this variant is classified as a Variant of Uncertain Significance.

This study involves interpretation of variants in research participants for the purpose of population health screening. Participant phenotype was not available at the time of variant classification. Additional details can be found in publication PMID: 35346344, PMCID: PMC8962531

Color Diagnostics, LLC DBA Color Health
Classification: Uncertain significance for Hereditary cancer-predisposing syndrome. Last evaluated: 2024-04-25. Review status: criteria provided, single submitter. Criteria: ACMG Guidelines, 2015. Collection method: clinical testing. Allele origin: germline.
Comment: This missense variant replaces lysine with asparagine at codon 888 of the MSH6 protein. Computational prediction suggests that this variant may not impact protein structure and function (internally defined REVEL score threshold <= 0.5, PMID: 27666373). To our knowledge, functional studies have not been reported for this variant. This variant has not been reported in individuals affected with MSH6-related disorders in the literature. This variant has been identified in 2/250488 chromosomes in the general population by the Genome Aggregation Database (gnomAD). The available evidence is insufficient to determine the role of this variant in disease conclusively. Therefore, this variant is classified as a Variant of Uncertain Significance.

Baylor Genetics
Classification: Uncertain significance for Endometrial carcinoma. Last evaluated: 2024-02-14. Review status: criteria provided, single submitter. Criteria: ACMG Guidelines, 2015. Collection method: clinical testing. Allele origin: unknown.

GeneDx
Classification: Uncertain significance. Last evaluated: 2023-12-22. Review status: criteria provided, single submitter. Criteria: GeneDx Variant Classification Process June 2021. Collection method: clinical testing. Allele origin: germline. Affected: yes.
Comment: Not observed at significant frequency in large population cohorts (gnomAD); In silico analysis supports that this missense variant does not alter protein structure/function; Observed in individuals with breast and/or ovarian cancer (PMID: 27153395); This variant is associated with the following publications: (PMID: 17531815, 21120944, 29300386, 22949379, 12900794, 27153395)

ARUP Laboratories, Molecular Genetics and Genomics, ARUP Laboratories
Classification: Uncertain significance. Last evaluated: 2022-02-28. Review status: criteria provided, single submitter. Criteria: ARUP Molecular Germline Variant Investigation Process 2021. Collection method: clinical testing. Allele origin: germline.
Comment: The MSH6 c.2664G>C; p.Lys888Asn variant (rs730881798) is reported in the literature in a large breast cancer cohort, but without clear association with disease (Maxwell 2016). This variant is also reported in ClinVar (Variation ID: 182637), but is only observed on two alleles in the Genome Aggregation Database, indicating it is not a common polymorphism. The lysine at codon 888 is moderately conserved, and computational analyses are uncertain whether this variant is neutral or deleterious (REVEL: 0.228). Due to limited information, the clinical significance of this variant is uncertain at this time. References: Maxwell KN et al. Evaluation of ACMG-Guideline-Based Variant Classification of Cancer Susceptibility and Non-Cancer-Associated Genes in Families Affected by Breast Cancer. Am J Hum Genet. 2016 May 5;98(5):801-817. PMID: 27153395.

Illumina Laboratory Services, Illumina
Classification: Uncertain significance for Lynch syndrome 5. Last evaluated: 2018-01-13. Review status: criteria provided, single submitter. Criteria: ICSL Variant Classification Criteria 13 December 2019. Collection method: clinical testing. Allele origin: germline.

Quest Diagnostics Nichols Institute San Juan Capistrano
Classification: Uncertain significance. Last evaluated: 2017-09-10. Review status: criteria provided, single submitter. Criteria: Quest Diagnostics criteria. Collection method: clinical testing. Allele origin: germline.

University of Washington Department of Laboratory Medicine, University of Washington
Classification: Likely benign for Lynch syndrome 5. Last evaluated: 2020-10-22. Review status: no assertion criteria provided. Collection method: clinical testing. Allele origin: unknown. Affected: no. Not counted in ClinVar's aggregate classification.
Comment: This variant has conflicting interpretations in ClinVar (Variation ID 182637). Based on in silico scores, the MSH6 variant c.2664G>C (p.K888N) has a prior probability of pathogenicity of 10% (Thompson 2013). Cosegregation anaylsis in one family was performed and demonstrates that this variant has a likelihood ratio of 0.1967 (Thompson 2003). Bayesian analysis integrating all of this data gives about a 2% probability of pathogenicity (Tavtigian 2018), which is consistent with a classification of likely benign.

Literature cited by the submitters: PubMed 27363726 (cited by Myriad Genetics, Inc.); PubMed 12900794 (cited by University of Washington Department of Laboratory Medicine, University of Washington); PubMed 22949379 (cited by University of Washington Department of Laboratory Medicine, University of Washington); PubMed 29300386 (cited by University of Washington Department of Laboratory Medicine, University of Washington).

NM_000179.3(MSH6):c.2664G>C (p.Lys888Asn)

Gene: MSH6 (mutS homolog 6; plus strand). Cytogenetic location: 2p16.3.
Variant type: single nucleotide variant.
Coding change: c.2664G>C on transcript NM_000179.3 (MANE Select); coding-DNA position 2664, G replaced by C.
Protein change: p.Lys888Asn; replaces lysine 888 with asparagine.
Molecular consequence: missense variant.
Genome position (GRCh38, 1-based): chr2:47,800,647, G>C. VCF-style: chr2-47800647-G-C. GRCh37 (hg19) VCF-style: chr2-48027786-G-C.
Other names: p.K888N:AAG>AAC; c.2274G>C, p.Lys758Asn (NM_001281492.2); c.1758G>C, p.Lys586Asn (NM_001281493.2, NM_001281494.2); short protein forms K888N, K586N, K758N.
Identifiers: ClinVar variation 182637 (VCV000182637.39), dbSNP rs730881798, ClinGen allele CA010696.